The following is an entry in ClinVar:

NM_001129.5(AEBP1):c.886C>T (p.Pro296Ser)

Gene: AEBP1 (AE binding protein 1; plus strand). Cytogenetic location: 7p13.
Variant type: single nucleotide variant.
Coding change: c.886C>T on transcript NM_001129.5 (MANE Select); coding-DNA position 886, C replaced by T.
Protein change: p.Pro296Ser; replaces proline 296 with serine.
Molecular consequence: missense variant.
Genome position (GRCh38, 1-based): chr7:44,108,030, C>T. VCF-style: chr7-44108030-C-T. GRCh37 (hg19) VCF-style: chr7-44147629-C-T.
Other names: short protein forms P296S.
Identifiers: ClinVar variation 2102662 (VCV002102662.4), dbSNP rs753288702, ClinGen allele CA4237666.

ClinVar aggregate classification (germline): Uncertain significance (1 of 4 stars; one submission).

Allele frequency attached by ClinVar (database versions not stated): gnomAD exomes 0.00001; ExAC 0.00002.
gnomAD v4.1: 18 of 1,595,174 alleles (0.0011%); highest among the groups gnomAD compares: South Asian, 0.015%; no homozygotes.

Submission:

Labcorp Genetics (formerly Invitae), Labcorp
Classification: Uncertain significance. Last evaluated: 2022-06-08. Review status: criteria provided, single submitter. Criteria: Invitae Variant Classification Sherloc (09022015). Collection method: clinical testing. Allele origin: germline.
Comment: In summary, the available evidence is currently insufficient to determine the role of this variant in disease. Therefore, it has been classified as a Variant of Uncertain Significance. Algorithms developed to predict the effect of missense changes on protein structure and function are either unavailable or do not agree on the potential impact of this missense change (SIFT: "Tolerated"; PolyPhen-2: "Probably Damaging"; Align-GVGD: "Class C0"). This variant has not been reported in the literature in individuals affected with AEBP1-related conditions. The frequency data for this variant in the population databases is considered unreliable, as metrics indicate poor data quality at this position in the gnomAD database. This sequence change replaces proline, which is neutral and non-polar, with serine, which is neutral and polar, at codon 296 of the AEBP1 protein (p.Pro296Ser).